The following is an entry in ClinVar:

NM_001384900.1(SEMA3D):c.636T>C (p.Asp212=)

Gene: SEMA3D (semaphorin 3D; minus strand). Cytogenetic location: 7q21.11.
Variant type: single nucleotide variant.
Coding change: c.636T>C on transcript NM_001384900.1 (MANE Select); coding-DNA position 636, T replaced by C.
Protein change: p.Asp212=; no amino-acid change (aspartic acid 212 retained).
Molecular consequence: synonymous variant.
Genome position (GRCh38, 1-based): chr7:85,065,506, A>G on the plus strand (T>C on the coding strand, the complement: SEMA3D is on the minus strand). VCF-style: chr7-85065506-A-G. GRCh37 (hg19) VCF-style: chr7-84694822-A-G.
Other names: c.636T>C, p.Asp212= (NM_001384901.1, NM_001384902.1, NM_001384903.1 and 1 more transcripts).
Identifiers: ClinVar variation 4977265 (VCV004977265.1).

ClinVar aggregate classification (germline): Likely benign (1 of 4 stars; one submission).

Conditions:
SEMA3D-related disorder. Also called: SEMA3D-related condition.

gnomAD v4.1: 10 of 1,613,004 alleles (0.00062%); highest among the groups gnomAD compares: Admixed American, 0.005%; no homozygotes.

Submission:

PreventionGenetics, part of Exact Sciences
Classification: Likely benign for SEMA3D-related condition. Last evaluated: 2025-10-30. Review status: criteria provided, single submitter. Criteria: ACMG Guidelines, 2015. Collection method: clinical testing. Allele origin: germline.
Comment: This variant is classified as likely benign based on ACMG/AMP sequence variant interpretation guidelines (Richards et al. 2015 PMID: 25741868, with internal and published modifications).